The following is an entry in ClinVar:

ClinVar aggregate classification (germline): Uncertain significance (1 of 4 stars; one submission).

Conditions:
Inborn genetic diseases. Identifiers: MedGen C0950123, MeSH D030342.

Allele frequency attached by ClinVar (database versions not stated): gnomAD 0.00005; gnomAD exomes 0.00007; ESP Exome Variant Server 0.00008; TOPMed 0.00008; ExAC 0.00016.
gnomAD v4.1: 108 of 1,590,230 alleles (0.0068%); highest among the groups gnomAD compares: Admixed American, 0.024%; no homozygotes.

Submission:

Ambry Genetics
Classification: Uncertain significance for Inborn genetic diseases. Last evaluated: 2022-09-26. Review status: criteria provided, single submitter. Criteria: Ambry Variant Classification Scheme 2023. Collection method: clinical testing. Allele origin: germline.
Comment: The p.M472V variant (also known as c.1414A>G), located in coding exon 12 of the DST gene, results from an A to G substitution at nucleotide position 1414. The methionine at codon 472 is replaced by valine, an amino acid with highly similar properties. This amino acid position is highly conserved in available vertebrate species. In addition, this alteration is predicted to be deleterious by in silico analysis. Since supporting evidence is limited at this time, the clinical significance of this alteration remains unclear.

NM_001374736.1(DST):c.1513A>G (p.Met505Val)

Gene: DST (dystonin; minus strand). Cytogenetic location: 6p12.1.
Variant type: single nucleotide variant.
Coding change: c.1513A>G on transcript NM_001374736.1 (MANE Select); coding-DNA position 1513, A replaced by G.
Protein change: p.Met505Val; replaces methionine 505 with valine.
Molecular consequence: missense variant.
Genome position (GRCh38, 1-based): chr6:56,648,611, T>C on the plus strand (A>G on the coding strand, the complement: DST is on the minus strand). VCF-style: chr6-56648611-T-C. GRCh37 (hg19) VCF-style: chr6-56513409-T-C.
Other names: c.1414A>G, p.Met472Val (NM_001144769.5); c.1000A>G, p.Met334Val (NM_001144770.2); c.1513A>G, p.Met505Val (NM_001374722.1); c.880A>G, p.Met294Val (NM_001374729.1, NM_001374730.1, NM_001386100.1 and 1 more transcripts); c.1540A>G, p.Met514Val (NM_001374734.1); short protein forms M294V, M514V, M334V, M472V, M505V.
Identifiers: ClinVar variation 1772097 (VCV001772097.2), dbSNP rs371319912, ClinGen allele CA3871694.